The following is an entry in ClinVar:

NM_000361.3(THBD):c.1301A>C (p.Asp434Ala)

Gene: THBD (thrombomodulin; minus strand). Cytogenetic location: 20p11.21.
Variant type: single nucleotide variant.
Coding change: c.1301A>C on transcript NM_000361.3 (MANE Select); coding-DNA position 1301, A replaced by C.
Protein change: p.Asp434Ala; replaces aspartic acid 434 with alanine.
Molecular consequence: missense variant.
Genome position (GRCh38, 1-based): chr20:23,048,204, T>G on the plus strand (A>C on the coding strand, the complement: THBD is on the minus strand). VCF-style: chr20-23048204-T-G. GRCh37 (hg19) VCF-style: chr20-23028841-T-G.
Other names: short protein forms D434A.
Identifiers: ClinVar variation 4280437 (VCV004280437.1).

ClinVar aggregate classification (germline): Uncertain significance (1 of 4 stars; one submission).

Conditions:
Thrombomodulin-related bleeding disorder (THPH12). Also called: Thrombophilia due to thrombomodulin defect. Identifiers: Orphanet 436169, MedGen C3280976, MONDO:0013775, OMIM 614486.

Submission:

Genomenon, Inc
Classification: Uncertain significance for Thrombomodulin-related bleeding disorder. Last evaluated: 2025-09-22. Review status: criteria provided, single submitter. Criteria: Genomenon Sequence Variant Interpretation Standards - Updated. Collection method: curation. Allele origin: germline. Affected: no.
Comment: THBD p.Asp434Ala (c.1301A>C) is a missense variant that changes the amino acid at residue 434 from Aspartic acid to Alanine. This variant has been reported in the published literature (PMID:8381415). It is absent or not present at a significant frequency in gnomAD. In conclusion, we classify THBD p.Asp434Ala (c.1301A>C) as a variant of unknown significance.

Literature cited by the submitters: PubMed 8381415.